The following is an entry in ClinVar:

NM_005535.3(IL12RB1):c.309T>C (p.Ala103=)

Gene: IL12RB1 (interleukin 12 receptor subunit beta 1; minus strand). Cytogenetic location: 19p13.11.
Variant type: single nucleotide variant.
Coding change: c.309T>C on transcript NM_005535.3 (MANE Select); coding-DNA position 309, T replaced by C.
Protein change: p.Ala103=; no amino-acid change (alanine 103 retained).
Molecular consequence: synonymous variant.
Genome position (GRCh38, 1-based): chr19:18,080,932, A>G on the plus strand (T>C on the coding strand, the complement: IL12RB1 is on the minus strand). VCF-style: chr19-18080932-A-G. GRCh37 (hg19) VCF-style: chr19-18191742-A-G.
Other names: c.309T>C, p.Ala103= (NM_001290023.2, NM_153701.3); c.429T>C, p.Ala143= (NM_001290024.2).
Identifiers: ClinVar variation 328601 (VCV000328601.36), dbSNP rs369830496, ClinGen allele CA9305257.

ClinVar aggregate classification (germline): Conflicting classifications of pathogenicity. Review status: criteria provided, conflicting classifications (1 of 4 stars). 4 submissions from 4 submitters: Uncertain significance (1); Likely benign (3). Last evaluated 2026-01-07.

Conditions:
Mendelian susceptibility to mycobacterial diseases due to complete IL12RB1 deficiency. Also called: IL12RB1 DEFICIENCY; Immunodeficiency 30. Identifiers: Orphanet 319552, MedGen C4013949, MONDO:0013955, OMIM 614891.

Allele frequency attached by ClinVar (database versions not stated): gnomAD 0.00009; TOPMed 0.00009; ESP Exome Variant Server 0.00031.
gnomAD v4.1: 362 of 1,613,908 alleles (0.022%); highest among the groups gnomAD compares: Non-Finnish European, 0.029%; 2 homozygotes.

Submissions (4):

Labcorp Genetics (formerly Invitae), Labcorp
Classification: Likely benign for Mendelian susceptibility to mycobacterial diseases due to complete IL12RB1 deficiency. Last evaluated: 2026-01-07. Review status: criteria provided, single submitter. Criteria: Invitae Variant Classification Sherloc (09022015). Collection method: clinical testing. Allele origin: germline.

CeGaT Center for Human Genetics Tuebingen
Classification: Likely benign. Last evaluated: 2024-09-01. Review status: criteria provided, single submitter. Criteria: CeGaT Center For Human Genetics Tuebingen Variant Classification Criteria Version 2. Collection method: clinical testing. Allele origin: germline. Affected: yes. Observed: 2 variant alleles.
Comment: IL12RB1: BP4, BP7

Blueprint Genetics
Classification: Likely benign. Last evaluated: 2021-08-16. Review status: criteria provided, single submitter. Criteria: ACMG Guidelines, 2015. Collection method: clinical testing. Allele origin: germline.

Illumina Laboratory Services, Illumina
Classification: Uncertain significance for Mendelian susceptibility to mycobacterial diseases due to complete IL12RB1 deficiency. Last evaluated: 2018-01-13. Review status: criteria provided, single submitter. Criteria: ICSL Variant Classification Criteria 13 December 2019. Collection method: clinical testing. Allele origin: germline.